The following is an entry in ClinVar:

NM_017882.3(CLN6):c.784C>T (p.Leu262Phe)

Gene: CLN6 (CLN6 transmembrane ER protein; minus strand). Cytogenetic location: 15q23.
Variant type: single nucleotide variant.
Coding change: c.784C>T on transcript NM_017882.3 (MANE Select); coding-DNA position 784, C replaced by T.
Protein change: p.Leu262Phe; replaces leucine 262 with phenylalanine.
Molecular consequence: missense variant.
Genome position (GRCh38, 1-based): chr15:68,208,292, G>A on the plus strand (C>T on the coding strand, the complement: CLN6 is on the minus strand). VCF-style: chr15-68208292-G-A. GRCh37 (hg19) VCF-style: chr15-68500630-G-A.
Other names: c.880C>T, p.Leu294Phe (NM_001411068.1); short protein forms L262F, L294F.
Identifiers: ClinVar variation 4536960 (VCV004536960.1).

ClinVar aggregate classification (germline): Uncertain significance (1 of 4 stars; one submission).

Submission:

Women's Health and Genetics/Laboratory Corporation of America, LabCorp
Classification: Uncertain significance. Last evaluated: 2025-11-07. Review status: criteria provided, single submitter. Criteria: LabCorp Variant Classification Summary - May 2015. Collection method: clinical testing. Allele origin: germline.
Comment: Variant summary: CLN6 c.784C>T (p.Leu262Phe) results in a non-conservative amino acid change in the encoded protein sequence. Algorithms developed to predict the effect of missense changes on protein structure and function all suggest that this variant is likely to be disruptive. The variant was absent in 251332 control chromosomes. The available data on variant occurrences in the general population are insufficient to allow any conclusion about variant significance. c.784C>T has been observed as compound heterozygous in an individual affected with a neurodevelopmental disorder with seizures (Ko_2023). These data do not allow any conclusion about variant significance. To our knowledge, no experimental evidence demonstrating an impact on protein function has been reported. The following publication has been ascertained in the context of this evaluation (PMID: 37645600). No submitters have cited clinical-significance assessments for this variant to ClinVar. Based on the evidence outlined above, the variant was classified as uncertain significance.

Literature cited by the submitters: PubMed 37645600.